The following is an entry in ClinVar:

ClinVar aggregate classification (germline): Uncertain significance (1 of 4 stars; one submission).

Conditions:
Neuropathy, hereditary sensory and autonomic, type 2A (HSAN2A). Also called: HSAN IIA; ACROOSTEOLYSIS, GIACCAI TYPE; ACROOSTEOLYSIS, NEUROGENIC; MORVAN DISEASE; NEUROPATHY, CONGENITAL SENSORY; NEUROPATHY, HEREDITARY SENSORY RADICULAR, AUTOSOMAL RECESSIVE. Identifiers: Orphanet 970, MedGen C2752089, MONDO:0024309, OMIM 201300.
Generalized epilepsy with febrile seizures plus, type 7 (GEFSP7). Also called: GEFS+, TYPE 7. Identifiers: Orphanet 36387, MedGen C2751778, MONDO:0013470, OMIM 613863.

Submission:

Labcorp Genetics (formerly Invitae), Labcorp
Classification: Uncertain significance for Neuropathy, hereditary sensory and autonomic, type 2A; Generalized epilepsy with febrile seizures plus, type 7. Last evaluated: 2024-08-28. Review status: criteria provided, single submitter. Criteria: Invitae Variant Classification Sherloc (09022015). Collection method: clinical testing. Allele origin: germline.
Comment: This sequence change replaces serine, which is neutral and polar, with phenylalanine, which is neutral and non-polar, at codon 390 of the SCN9A protein (p.Ser390Phe). This variant is not present in population databases (gnomAD no frequency). This variant has not been reported in the literature in individuals affected with SCN9A-related conditions. Invitae Evidence Modeling of protein sequence and biophysical properties (such as structural, functional, and spatial information, amino acid conservation, physicochemical variation, residue mobility, and thermodynamic stability) has been performed for this missense variant. However, the output from this modeling did not meet the statistical confidence thresholds required to predict the impact of this variant on SCN9A protein function. In summary, the available evidence is currently insufficient to determine the role of this variant in disease. Therefore, it has been classified as a Variant of Uncertain Significance.

NM_001365536.1(SCN9A):c.1169C>T (p.Ser390Phe)

Genes: SCN1A-AS1 (SCN1A and SCN9A antisense RNA 1; plus strand), SCN9A (sodium voltage-gated channel alpha subunit 9; minus strand). Cytogenetic location: 2q24.3.
Variant type: single nucleotide variant.
Coding change: c.1169C>T on transcript NM_001365536.1 (MANE Select); coding-DNA position 1169, C replaced by T.
Protein change: p.Ser390Phe; replaces serine 390 with phenylalanine.
Molecular consequence: missense variant.
Genome position (GRCh38, 1-based): chr2:166,288,582, G>A on the plus strand (C>T on the coding strand, the complement: SCN9A is on the minus strand). VCF-style: chr2-166288582-G-A. GRCh37 (hg19) VCF-style: chr2-167145092-G-A.
Other names: c.1169C>T, p.Ser390Phe (NM_002977.4); short protein forms S390F.
Identifiers: ClinVar variation 3762507 (VCV003762507.2).